The following is an entry in ClinVar:

NM_017654.4(SAMD9):c.1645G>A (p.Val549Met)

Gene: SAMD9 (sterile alpha motif domain containing 9; minus strand). Cytogenetic location: 7q21.2.
Variant type: single nucleotide variant.
Coding change: c.1645G>A on transcript NM_017654.4 (MANE Select); coding-DNA position 1645, G replaced by A.
Protein change: p.Val549Met; replaces valine 549 with methionine.
Molecular consequence: missense variant.
Genome position (GRCh38, 1-based): chr7:93,104,453, C>T on the plus strand (G>A on the coding strand, the complement: SAMD9 is on the minus strand). VCF-style: chr7-93104453-C-T. GRCh37 (hg19) VCF-style: chr7-92733766-C-T.
Other names: c.1645G>A, p.Val549Met (NM_001193307.2); short protein forms V549M.
Identifiers: ClinVar variation 4754066 (VCV004754066.2).

ClinVar aggregate classification (germline): Uncertain significance. Review status: criteria provided, multiple submitters, no conflicts (2 of 4 stars). 2 submissions from 2 submitters: Uncertain significance (2). Last evaluated 2026-01-05.

gnomAD v4.1: 8 of 1,613,762 alleles (0.0005%); highest among the groups gnomAD compares: Non-Finnish European, 0.00068%; no homozygotes.

Submissions (2):

Labcorp Genetics (formerly Invitae), Labcorp
Classification: Uncertain significance. Last evaluated: 2026-01-05. Review status: criteria provided, single submitter. Criteria: Invitae Variant Classification Sherloc (09022015). Collection method: clinical testing. Allele origin: germline.
Comment: This sequence change replaces valine, which is neutral and non-polar, with methionine, which is neutral and non-polar, at codon 549 of the SAMD9 protein (p.Val549Met). This variant is present in population databases (rs10279499, gnomAD 0.0009%). This variant has not been reported in the literature in individuals affected with SAMD9-related conditions. An algorithm developed to predict the effect of missense changes on protein structure and function outputs the following: PolyPhen-2: "Possibly Damaging". The methionine amino acid residue is found in multiple mammalian species, which suggests that this missense change does not adversely affect protein function. In summary, the available evidence is currently insufficient to determine the role of this variant in disease. Therefore, it has been classified as a Variant of Uncertain Significance.

Blueprint Genetics
Classification: Uncertain significance. Last evaluated: 2022-02-18. Review status: criteria provided, single submitter. Criteria: ACMG Guidelines, 2015. Collection method: clinical testing. Allele origin: germline.